The following continues an entry in ClinVar:

NM_000059.4(BRCA2):c.4965C>A (p.Tyr1655Ter)

Gene: BRCA2. ClinVar aggregate classification (germline): Pathogenic. Pathogenic (1).

Submissions 11 to 22 of 22:

Laboratory for Molecular Medicine, Mass General Brigham Personalized Medicine
Classification: Pathogenic for Hereditary breast ovarian cancer syndrome. Last evaluated: 2019-10-14. Review status: criteria provided, single submitter. Criteria: ACMG Guidelines, 2015. Collection method: clinical testing. Allele origin: germline. Not counted in ClinVar's aggregate classification.
Comment: The p.Tyr1655X (c.4965C>A) variant in BRCA2 has been reported in at least 3 individuals with breast cancer (Caux-Moncoutier 2010, BIC database). It was absent from large population studies. This nonsense variant leads to a premature termination codon at position 1655, which is predicted to lead to a truncated or absent protein. Loss of function of the BRCA2 gene is an established disease mechanism in autosomal dominant hereditary breast and ovarian cancer syndrome (HBOC). Additionally, this variant was classified as Pathogenic on Sept 8 2016 by the ClinGen-approved ENIGMA expert panel (Variation ID: 51750). Another variant at this position, c.4965C>G, resulting in the same amino acid change, has been identified in individuals with HBOC and is classified as pathogenic by this laboratory. In summary, this variant meets criteria to be classified as pathogenic for autosomal dominant HBOC. ACMG/AMP Criteria applied: PVS1, PM2, PS4_Supporting, PS1.

Mendelics
Classification: Pathogenic for Hereditary breast and ovarian cancer syndrome. Last evaluated: 2018-07-02. Review status: criteria provided, single submitter. Criteria: Mendelics Assertion Criteria 2017. Collection method: clinical testing. Allele origin: unknown. Not counted in ClinVar's aggregate classification.

Consortium of Investigators of Modifiers of BRCA1/2 (CIMBA), c/o University of Cambridge
Classification: Pathogenic for Breast-ovarian cancer, familial, susceptibility to, 2. Last evaluated: 2015-10-02. Review status: criteria provided, single submitter. Criteria: CIMBA Mutation Classification guidelines May 2016. Collection method: clinical testing. Allele origin: germline. Not counted in ClinVar's aggregate classification.

Genome Diagnostics Laboratory, University Medical Center Utrecht
Classification: Pathogenic for Breast-ovarian cancer, familial, susceptibility to, 2. Last evaluated: 2014-10-08. Review status: criteria provided, single submitter. Criteria: ACGS Guidelines, 2013. Collection method: clinical testing. Allele origin: germline. Affected: yes. Study: VKGL Data-share Consensus. Not counted in ClinVar's aggregate classification.

Juno Genomics, Hangzhou Juno Genomics, Inc
Classification: Pathogenic for Breast-ovarian cancer, familial, susceptibility to, 2. Review status: criteria provided, single submitter. Criteria: ACMG Guidelines, 2015. Collection method: clinical testing. Allele origin: germline. Not counted in ClinVar's aggregate classification.
Comment: Null variant in a gene where loss of function (LOF) is a known mechanism of disease.;The prevalence of the variant in affected individuals is significantly increased compared to the prevalence in controls.

Rady Children's Institute for Genomic Medicine, Rady Children's Hospital San Diego
Classification: Pathogenic for FLG-related disorders. Review status: criteria provided, single submitter. Criteria: ACMG Guidelines, 2015. Collection method: clinical testing. Allele origin: germline. Affected: yes. Not counted in ClinVar's aggregate classification.
Comment: This frameshifting variant in exon 11 of 28 is predicted to result in loss of normal protein function through either protein truncation or nonsense-mediated mRNA decay. This variant has been previously reported as a heterozygous change in patients with BRCA2-related cancers (PMID: 17688236, 19654294, 20858050, 21709188, 23569316, 24728189, 25136594, 26681312, 28973083, 29371908). Loss-of-function variation in BRCA2 is an established mechanism of disease (ClinVar; HGMD Database). The c.4965C>A (p.Tyr1655Ter) variant is absent from the gnomAD population database and thus is presumed to be rare. Based on the available evidence, the c.4965C>A (p.Tyr1655Ter) variant is classified as Pathogenic.

BRCAlab, Lund University
Classification: Pathogenic for Breast-ovarian cancer, familial, susceptibility to, 2. Last evaluated: 2022-08-26. Review status: no assertion criteria provided. Collection method: clinical testing. Allele origin: germline. Affected: yes. Not counted in ClinVar's aggregate classification.

Research Molecular Genetics Laboratory, Women's College Hospital, University of Toronto
Classification: Pathogenic for Hereditary breast ovarian cancer syndrome. Last evaluated: 2014-01-31. Review status: no assertion criteria provided. Collection method: research. Allele origin: germline. Affected: yes. Study: The Canadian Open Genetics Repository (COGR). Not counted in ClinVar's aggregate classification.

Sharing Clinical Reports Project (SCRP)
Classification: Pathogenic for Breast-ovarian cancer, familial 2. Last evaluated: 2012-10-12. Review status: no assertion criteria provided. Collection method: clinical testing. Allele origin: germline. Not counted in ClinVar's aggregate classification.

Breast Cancer Information Core (BIC) (BRCA2)
Classification: Pathogenic for Breast-ovarian cancer, familial 2. Last evaluated: 2002-07-11. Review status: no assertion criteria provided. Collection method: clinical testing. Allele origin: germline. Affected: yes. Observed: 2 variant alleles. Not counted in ClinVar's aggregate classification.

Clinical Genetics Laboratory, Department of Pathology, Netherlands Cancer Institute
Classification: Pathogenic. Review status: no assertion criteria provided. Collection method: clinical testing. Allele origin: germline. Affected: yes. Study: VKGL Data-share Consensus. Not counted in ClinVar's aggregate classification.

Diagnostic Laboratory, Department of Genetics, University Medical Center Groningen
Classification: Pathogenic for Breast-ovarian cancer, familial, susceptibility to, 2. Review status: no assertion criteria provided. Collection method: clinical testing. Allele origin: germline. Affected: yes. Study: VKGL Data-share Consensus. Not counted in ClinVar's aggregate classification.

Literature cited by the submitters: PubMed 40044664 (cited by Women's Health and Genetics/Laboratory Corporation of America, LabCorp); PubMed 41412497 (cited by Women's Health and Genetics/Laboratory Corporation of America, LabCorp); PubMed 41450439 (cited by Women's Health and Genetics/Laboratory Corporation of America, LabCorp); PubMed 20104584 (cited by Labcorp Genetics (formerly Invitae), Labcorp); PubMed 17688236 (cited by Labcorp Genetics (formerly Invitae), Labcorp); PubMed 20858050 (cited by Labcorp Genetics (formerly Invitae), Labcorp); PubMed 21120943 (cited by 4 submitters); PubMed 21709188 (cited by Labcorp Genetics (formerly Invitae), Labcorp); PubMed 23569316 (cited by Labcorp Genetics (formerly Invitae), Labcorp); PubMed 24728189 (cited by Labcorp Genetics (formerly Invitae), Labcorp); PubMed 25136594 (cited by 3 submitters); PubMed 26681312 (cited by Labcorp Genetics (formerly Invitae), Labcorp); PubMed 29446198 (cited by 3 submitters); PubMed 29487695 (cited by Labcorp Genetics (formerly Invitae), Labcorp); PubMed 33471991 (cited by Quest Diagnostics Nichols Institute San Juan Capistrano); PubMed 33087929 (cited by Quest Diagnostics Nichols Institute San Juan Capistrano); PubMed 30287823 (cited by Quest Diagnostics Nichols Institute San Juan Capistrano and Ambry Genetics); PubMed 25525159 (cited by Quest Diagnostics Nichols Institute San Juan Capistrano); PubMed 19654294 (cited by Quest Diagnostics Nichols Institute San Juan Capistrano); PubMed 26295337 (cited by Ambry Genetics).